The following is an entry in ClinVar:

NM_005751.5(AKAP9):c.1389G>T (p.Met463Ile)

Gene: AKAP9 (A-kinase anchoring protein 9; plus strand). Cytogenetic location: 7q21.2.
Variant type: single nucleotide variant.
Coding change: c.1389G>T on transcript NM_005751.5 (MANE Select); coding-DNA position 1389, G replaced by T.
Protein change: p.Met463Ile; replaces methionine 463 with isoleucine.
Molecular consequence: missense variant.
Genome position (GRCh38, 1-based): chr7:92,001,306, G>T. VCF-style: chr7-92001306-G-T. GRCh37 (hg19) VCF-style: chr7-91630620-G-T.
Other names: p.M463I:ATG>ATT; c.1389G>T, p.Met463Ile (NM_147185.3); short protein forms M463I.
Identifiers: ClinVar variation 136347 (VCV000136347.44), dbSNP rs6964587, ClinGen allele CA163163.

ClinVar aggregate classification (germline): Benign. Review status: criteria provided, multiple submitters, no conflicts (2 of 4 stars). 15 submissions from 15 submitters: Benign (12). 3 of the submissions do not count toward it. Last evaluated 2026-02-04.

Conditions:
Colorectal cancer. Also called: Malignant Colorectal Neoplasm; Colorectal cancer, somatic. Identifiers: MedGen C0346629, MONDO:0005575, OMIM 114500.
Cardiovascular phenotype. Identifiers: MedGen CN230736.
Long QT syndrome (LQTS). Identifiers: MedGen C0023976, MeSH D008133, MONDO:0002442. Disease mechanism: loss of function. Inheritance: Various modes of inheritance.
Long QT syndrome 11 (LQT11). Identifiers: Orphanet 101016, Orphanet 768, MedGen C2678483, MONDO:0012738, OMIM 611820.

Allele frequency attached by ClinVar (database versions not stated): 1000 Genomes Project 30x 0.37539; gnomAD exomes 0.37814 and 0.38631; ExAC 0.38290; gnomAD 0.41484 and 0.41920; TOPMed 0.41577; ESP Exome Variant Server 0.44047; 1000 Genomes Project 0.37220.
gnomAD v4.1: 627,889 of 1,613,566 alleles (39%); highest among the groups gnomAD compares: African/African-American, 51%; 124,558 homozygotes.

Submissions (15):

Labcorp Genetics (formerly Invitae), Labcorp
Classification: Benign for Long QT syndrome. Last evaluated: 2026-02-04. Review status: criteria provided, single submitter. Criteria: Invitae Variant Classification Sherloc (09022015). Collection method: clinical testing. Allele origin: germline.

Blueprint Genetics
Classification: Benign. Last evaluated: 2024-11-27. Review status: criteria provided, single submitter. Criteria: ACMG Guidelines, 2015. Collection method: clinical testing. Allele origin: germline.

ARUP Laboratories, Molecular Genetics and Genomics, ARUP Laboratories
Classification: Benign for Long QT syndrome 11. Last evaluated: 2023-11-29. Review status: criteria provided, single submitter. Criteria: ARUP Molecular Germline Variant Investigation Process 2024. Collection method: clinical testing. Allele origin: germline.

Genome-Nilou Lab
Classification: Benign for Long QT syndrome 11. Last evaluated: 2021-12-05. Review status: criteria provided, single submitter. Criteria: ACMG Guidelines, 2015. Collection method: clinical testing. Allele origin: germline. Affected: no.

Women's Health and Genetics/Laboratory Corporation of America, LabCorp
Classification: Benign. Last evaluated: 2019-08-12. Review status: criteria provided, single submitter. Criteria: LabCorp Variant Classification Summary - May 2015. Collection method: clinical testing. Allele origin: germline.
Comment: Variant summary: AKAP9 c.1389G>T (p.Met463Ile) results in a conservative amino acid change in the encoded protein sequence. Four of four in-silico tools predict a benign effect of the variant on protein function. The variant allele was found at a frequency of 0.38 in 250610 control chromosomes, predominantly at a frequency of 0.51 within the African or African-American subpopulation in the gnomAD database, including 2115 homozygotes. Therefore, suggesting the variant is the major allele found in population(s) of African American origin. Four ClinVar submissions (evaluation after 2014) cite the variant three times as benign and once as likely benign. Based on the evidence outlined above, the variant was classified as benign.

Laboratory for Molecular Medicine, Mass General Brigham Personalized Medicine
Classification: Benign. Last evaluated: 2016-04-25. Review status: criteria provided, single submitter. Criteria: LMM Criteria. Collection method: clinical testing. Allele origin: germline.
Comment: Variant identified in a genome or exome case(s) and assessed due to predicted null impact of the variant or pathogenic assertions in the literature or databases. Disclaimer: This variant has not undergone full assessment. The following are preliminary notes: Frequency in ESP (all): 5727/13002=44%

Eurofins Ntd Llc (ga)
Classification: Benign. Last evaluated: 2015-05-19. Review status: criteria provided, single submitter. Criteria: EGL Classification Definitions 2015. Collection method: clinical testing. Allele origin: germline. Observed: 13 variant alleles, 8 heterozygotes, 5 homozygotes.

Ambry Genetics
Classification: Benign for Cardiovascular phenotype. Last evaluated: 2015-03-23. Review status: criteria provided, single submitter. Criteria: Ambry Variant Classification Scheme 2023. Collection method: clinical testing. Allele origin: germline.

Biesecker Lab/Clinical Genomics Section, National Institutes of Health
Classification: Benign for Colorectal cancer. Last evaluated: 2013-06-24. Review status: criteria provided, single submitter. Criteria: Ng et al. (Circ Cardiovasc Genet. 2013). Collection method: research. Allele origin: unknown. Observed: 543 variant alleles. Study: ClinSeq.
Comment: The study set was not selected for affection status in relation to any cancer. Pathogenicity categories were based on literature curation. See Pubmed ID:23861362 for details.

Medical sequencing

GeneDx
Classification: Benign. Last evaluated: 2011-08-08. Review status: criteria provided, single submitter. Criteria: GeneDx Variant Classification (06012015). Collection method: clinical testing. Allele origin: germline. Affected: yes.
Comment: This variant is considered likely benign or benign based on one or more of the following criteria: it is a conservative change, it occurs at a poorly conserved position in the protein, it is predicted to be benign by multiple in silico algorithms, and/or has population frequency not consistent with disease.

Breakthrough Genomics
Classification: Benign. Review status: criteria provided, single submitter. Criteria: ACMG Guidelines, 2015. Collection method: not provided. Allele origin: germline. Inheritance: Autosomal dominant inheritance. Affected: yes.

PreventionGenetics, part of Exact Sciences
Classification: Benign. Review status: criteria provided, single submitter. Criteria: ACMG Guidelines, 2015. Collection method: clinical testing. Allele origin: germline.

Clinical Genetics, Academic Medical Center
Classification: Benign. Review status: no assertion criteria provided. Collection method: clinical testing. Allele origin: germline. Affected: yes. Study: VKGL Data-share Consensus. Not counted in ClinVar's aggregate classification.

Diagnostic Laboratory, Department of Genetics, University Medical Center Groningen
Classification: Benign for Long QT syndrome 11. Review status: no assertion criteria provided. Collection method: clinical testing. Allele origin: germline. Affected: yes. Study: VKGL Data-share Consensus. Not counted in ClinVar's aggregate classification.

Joint Genome Diagnostic Labs from Nijmegen and Maastricht, Radboudumc and MUMC+
Classification: Benign. Review status: no assertion criteria provided. Collection method: clinical testing. Allele origin: germline. Affected: yes. Study: VKGL Data-share Consensus. Not counted in ClinVar's aggregate classification.